The following is an entry in ClinVar:

NM_000053.4(ATP7B):c.2341G>A (p.Glu781Lys)

Gene: ATP7B (ATPase copper transporting beta; minus strand). Cytogenetic location: 13q14.3.
Variant type: single nucleotide variant.
Coding change: c.2341G>A on transcript NM_000053.4 (MANE Select); coding-DNA position 2341, G replaced by A.
Protein change: p.Glu781Lys; replaces glutamic acid 781 with lysine.
Molecular consequence: missense variant. On other transcripts: intron variant (2).
Genome position (GRCh38, 1-based): chr13:51,958,325, C>T on the plus strand (G>A on the coding strand, the complement: ATP7B is on the minus strand). VCF-style: chr13-51958325-C-T. GRCh37 (hg19) VCF-style: chr13-52532461-C-T.
Other names: c.2341G>A (NM_000053.3); c.2008G>A, p.Glu670Lys (NM_001243182.2); c.2089G>A, p.Glu697Lys (NM_001330579.2); c.1870-718G>A (NM_001005918.3); c.2122-718G>A (NM_001330578.2); short protein forms E670K, E697K, E781K.
Identifiers: ClinVar variation 1446765 (VCV001446765.10), dbSNP rs1225673619, ClinGen allele CA388020473.

ClinVar aggregate classification (germline): Uncertain significance. Review status: criteria provided, multiple submitters, no conflicts (2 of 4 stars). 3 submissions from 3 submitters: Uncertain significance (3). Last evaluated 2025-03-11.

Conditions:
Wilson disease (WND). Also called: Wilson's disease. Identifiers: Orphanet 905, MedGen C0019202, MONDO:0010200, OMIM 277900. Disease mechanism: loss of function.

Allele frequency attached by ClinVar (database versions not stated): gnomAD exomes below 0.00001.
gnomAD v4.1: 1 of 1,614,162 alleles (0.000062%); highest among the groups gnomAD compares: Admixed American, 0.0017%; no homozygotes.

Submissions (3):

GeneDx
Classification: Uncertain significance. Last evaluated: 2025-03-11. Review status: criteria provided, single submitter. Criteria: GeneDx Variant Classification Process June 2021. Collection method: clinical testing. Allele origin: germline. Affected: yes.
Comment: Previously reported in an individual with Wilson disease; a second variant in ATP7B was not identified in this individual (PMID: 27022412); In silico analysis supports that this missense variant has a deleterious effect on protein structure/function; Not observed at significant frequency in large population cohorts (gnomAD); This variant is associated with the following publications: (PMID: 39502306, 34470610, 27022412)

Women's Health and Genetics/Laboratory Corporation of America, LabCorp
Classification: Uncertain significance. Last evaluated: 2025-02-17. Review status: criteria provided, single submitter. Criteria: LabCorp Variant Classification Summary - May 2015. Collection method: clinical testing. Allele origin: germline.
Comment: Variant summary: ATP7B c.2341G>A (p.Glu781Lys) results in a conservative amino acid change in the encoded protein sequence. Four of five in-silico tools predict a damaging effect of the variant on protein function. The variant allele was found at a frequency of 4e-06 in 249362 control chromosomes (gnomAD). The available data on variant occurrences in the general population are insufficient to allow any conclusion about variant significance. c.2341G>A has been reported in the literature in an individual(s) affected with Wilson Disease without strong evidence of causality (e.g. Dong_2016, Li_2021). These reports do not provide unequivocal conclusions about association of the variant with Wilson Disease. To our knowledge, no experimental evidence demonstrating an impact on protein function has been reported. The following publications have been ascertained in the context of this evaluation (PMID: 27022412, 34470610). ClinVar contains an entry for this variant (Variation ID: 1446765). Based on the evidence outlined above, the variant was classified as uncertain significance.

Labcorp Genetics (formerly Invitae), Labcorp
Classification: Uncertain significance for Wilson disease. Last evaluated: 2021-04-16. Review status: criteria provided, single submitter. Criteria: Invitae Variant Classification Sherloc (09022015). Collection method: clinical testing. Allele origin: germline.
Comment: This variant has been observed in individual(s) with Wilson disease (PMID: 27022412, Invitae). In summary, the available evidence is currently insufficient to determine the role of this variant in disease. Therefore, it has been classified as a Variant of Uncertain Significance. Advanced modeling of protein sequence and biophysical properties (such as structural, functional, and spatial information, amino acid conservation, physicochemical variation, residue mobility, and thermodynamic stability) performed at Invitae indicates that this missense variant is expected to disrupt ATP7B protein function. This variant is not present in population databases (ExAC no frequency). This sequence change replaces glutamic acid with lysine at codon 781 of the ATP7B protein (p.Glu781Lys). The glutamic acid residue is highly conserved and there is a small physicochemical difference between glutamic acid and lysine.

Literature cited by the submitters: PubMed 27022412 (cited by Women's Health and Genetics/Laboratory Corporation of America, LabCorp and Labcorp Genetics (formerly Invitae), Labcorp); PubMed 34470610 (cited by Women's Health and Genetics/Laboratory Corporation of America, LabCorp).